The following is an entry in ClinVar:

ClinVar aggregate classification (germline): Uncertain significance. Review status: criteria provided, multiple submitters, no conflicts (2 of 4 stars). 2 submissions from 2 submitters: Uncertain significance (2). Last evaluated 2023-11-28.

Conditions:
Cardiovascular phenotype. Identifiers: MedGen CN230736.
Arrhythmogenic right ventricular cardiomyopathy (ARVD). Also called: Arrhythmogenic right ventricular dysplasia; Cardiomyopathy, ARVC; Arrhythmogenic cardiomyopathy; Arrhythmogenic Right Ventricular Cardiomyopathy (ARVC). Identifiers: Orphanet 247, MedGen C0349788, MeSH D019571, MONDO:0016587. Disease mechanism: loss of function. Inheritance: Various modes of inheritance.

Allele frequency attached by ClinVar (database versions not stated): gnomAD exomes below 0.00001.
gnomAD v4.1: 1 of 1,614,038 alleles (0.000062%); highest among the groups gnomAD compares: East Asian, 0.0022%; no homozygotes.

Submissions (2):

Ambry Genetics
Classification: Uncertain significance for Cardiovascular phenotype. Last evaluated: 2023-11-28. Review status: criteria provided, single submitter. Criteria: Ambry Variant Classification Scheme 2023. Collection method: clinical testing. Allele origin: germline.
Comment: The p.A662V variant (also known as c.1985C>T), located in coding exon 13 of the DSG2 gene, results from a C to T substitution at nucleotide position 1985. The alanine at codon 662 is replaced by valine, an amino acid with similar properties. This amino acid position is conserved. In addition, the in silico prediction for this alteration is inconclusive. Since supporting evidence is limited at this time, the clinical significance of this alteration remains unclear.

All of Us Research Program, National Institutes of Health
Classification: Uncertain significance for Arrhythmogenic right ventricular cardiomyopathy. Last evaluated: 2023-07-10. Review status: criteria provided, single submitter. Criteria: ACMG Guidelines, 2015. Collection method: clinical testing. Allele origin: germline. Inheritance: Autosomal dominant inheritance. Observed: 1 variant allele, 1 heterozygote.
Comment: This missense variant replaces alanine with valine at codon 662 of the DSG2 protein. Computational prediction suggests that this variant may not impact protein structure and function (internally defined REVEL score threshold <= 0.5, PMID: 27666373). To our knowledge, functional studies have not been reported for this variant. This variant has not been reported in individuals affected with DSG2-related disorders in the literature. This variant has not been identified in the general population by the Genome Aggregation Database (gnomAD). The available evidence is insufficient to determine the role of this variant in disease conclusively. Therefore, this variant is classified as a Variant of Uncertain Significance.

This study involves interpretation of variants in research participants for the purpose of population health screening. Participant phenotype was not available at the time of variant classification. Additional details can be found in publication PMID: 35346344, PMCID: PMC8962531

NM_001943.5(DSG2):c.1985C>T (p.Ala662Val)

Gene: DSG2 (desmoglein 2; plus strand). Cytogenetic location: 18q12.1.
Variant type: single nucleotide variant.
Coding change: c.1985C>T on transcript NM_001943.5 (MANE Select); coding-DNA position 1985, C replaced by T.
Protein change: p.Ala662Val; replaces alanine 662 with valine.
Molecular consequence: missense variant.
Genome position (GRCh38, 1-based): chr18:31,541,298, C>T. VCF-style: chr18-31541298-C-T. GRCh37 (hg19) VCF-style: chr18-29121261-C-T.
Other names: short protein forms A662V.
Identifiers: ClinVar variation 3072335 (VCV003072335.2), dbSNP rs2510920024, ClinGen allele CA402139869.